The following is an entry in ClinVar:

ClinVar aggregate classification (germline): Benign. Review status: criteria provided, single submitter (1 of 4 stars). 2 submissions from 2 submitters: Benign (1). 1 of the submissions does not count toward it. Last evaluated 2022-07-21.

Conditions:
CELSR2-related disorder. Also called: CELSR2-related condition.

Allele frequency attached by ClinVar (database versions not stated): ExAC 0.00048; TOPMed 0.00119; ESP Exome Variant Server 0.00138; 1000 Genomes Project 30x 0.00234; 1000 Genomes Project 0.00240.
gnomAD v4.1: 424 of 1,606,366 alleles (0.026%); highest among the groups gnomAD compares: African/African-American, 0.42%; 1 homozygote.

Submissions (2):

Labcorp Genetics (formerly Invitae), Labcorp
Classification: Benign. Last evaluated: 2022-07-21. Review status: criteria provided, single submitter. Criteria: Invitae Variant Classification Sherloc (09022015). Collection method: clinical testing. Allele origin: germline.

PreventionGenetics, part of Exact Sciences
Classification: Likely benign for CELSR2-related condition. Last evaluated: 2019-04-01. Review status: no assertion criteria provided. Collection method: clinical testing. Allele origin: germline. Not counted in ClinVar's aggregate classification.
Comment: This variant is classified as likely benign based on ACMG/AMP sequence variant interpretation guidelines (Richards et al. 2015 PMID: 25741868, with internal and published modifications).

NM_001408.3(CELSR2):c.5709C>T (p.Ser1903=)

Gene: CELSR2 (cadherin EGF LAG seven-pass G-type receptor 2; plus strand). Cytogenetic location: 1p13.3.
Variant type: single nucleotide variant.
Coding change: c.5709C>T on transcript NM_001408.3 (MANE Select); coding-DNA position 5709, C replaced by T.
Protein change: p.Ser1903=; no amino-acid change (serine 1903 retained).
Molecular consequence: synonymous variant.
Genome position (GRCh38, 1-based): chr1:109,265,293, C>T. VCF-style: chr1-109265293-C-T. GRCh37 (hg19) VCF-style: chr1-109807915-C-T.
Other names: c.5709C>T (NM_001408.2).
Identifiers: ClinVar variation 2164862 (VCV002164862.6), dbSNP rs41279712, ClinGen allele CA987627.